The following is an entry in ClinVar:

NM_000104.4(CYP1B1):c.862G>C (p.Ala288Pro)

Gene: CYP1B1 (cytochrome P450 family 1 subfamily B member 1; minus strand). Cytogenetic location: 2p22.2.
Variant type: single nucleotide variant.
Coding change: c.862G>C on transcript NM_000104.4 (MANE Select); coding-DNA position 862, G replaced by C.
Protein change: p.Ala288Pro; replaces alanine 288 with proline.
Molecular consequence: missense variant.
Genome position (GRCh38, 1-based): chr2:38,074,527, C>G on the plus strand (G>C on the coding strand, the complement: CYP1B1 is on the minus strand). VCF-style: chr2-38074527-C-G. GRCh37 (hg19) VCF-style: chr2-38301670-C-G.
Other names: short protein forms A288P.
Identifiers: ClinVar variation 4689678 (VCV004689678.1).

ClinVar aggregate classification (germline): Uncertain significance (1 of 4 stars; one submission).

Submission:

Women's Health and Genetics/Laboratory Corporation of America, LabCorp
Classification: Uncertain significance. Last evaluated: 2026-01-30. Review status: criteria provided, single submitter. Criteria: LabCorp Variant Classification Summary - May 2015. Collection method: clinical testing. Allele origin: germline.
Comment: Variant summary: CYP1B1 c.862G>C (p.Ala288Pro) results in a non-conservative amino acid change in the encoded protein sequence. Algorithms developed to predict the effect of missense changes on protein structure and function are either unavailable or do not agree on the potential impact of this missense change. The variant allele was found at a frequency of 4.3e-06 in 231964 control chromosomes (gnomAD). c.862G>C has been observed in one homozygous individual affected with Primary Congenital Glaucoma (Micheal_2015). These data indicate that the variant may be associated with disease. To our knowledge, no experimental evidence demonstrating an impact on protein function has been reported. The following publication have been ascertained in the context of this evaluation (PMID: 25091052). No submitters have cited clinical-significance assessments for this variant to ClinVar. Based on the evidence outlined above, the variant was classified as VUS-possibly pathogenic.

Literature cited by the submitters: PubMed 25091052.